The following is an entry in ClinVar:

NM_206933.4(USH2A):c.265C>T (p.Pro89Ser)

Gene: USH2A (usherin; minus strand). Cytogenetic location: 1q41.
Variant type: single nucleotide variant.
Coding change: c.265C>T on transcript NM_206933.4 (MANE Select); coding-DNA position 265, C replaced by T.
Protein change: p.Pro89Ser; replaces proline 89 with serine.
Molecular consequence: missense variant.
Genome position (GRCh38, 1-based): chr1:216,422,072, G>A on the plus strand (C>T on the coding strand, the complement: USH2A is on the minus strand). VCF-style: chr1-216422072-G-A. GRCh37 (hg19) VCF-style: chr1-216595414-G-A.
Other names: c.265C>T, p.Pro89Ser (NM_007123.6); short protein forms P89S.
Identifiers: ClinVar variation 3187068 (VCV003187068.3), dbSNP rs758792895, ClinGen allele CA1396826.

ClinVar aggregate classification (germline): Uncertain significance. Review status: criteria provided, multiple submitters, no conflicts (2 of 4 stars). 3 submissions from 3 submitters: Uncertain significance (3). Last evaluated 2023-11-28.

Conditions:
Inborn genetic diseases. Identifiers: MedGen C0950123, MeSH D030342.

Allele frequency attached by ClinVar (database versions not stated): gnomAD 0.00001; ExAC 0.00003.
gnomAD v4.1: 6 of 1,613,748 alleles (0.00037%); highest among the groups gnomAD compares: East Asian, 0.011%; no homozygotes.

Submissions (3):

Ambry Genetics
Classification: Uncertain significance for Inborn genetic diseases. Last evaluated: 2023-11-28. Review status: criteria provided, single submitter. Criteria: Ambry Variant Classification Scheme 2023. Collection method: clinical testing. Allele origin: germline.

GeneDx
Classification: Uncertain significance. Last evaluated: 2023-06-13. Review status: criteria provided, single submitter. Criteria: GeneDx Variant Classification Process June 2021. Collection method: clinical testing. Allele origin: germline. Affected: yes.
Comment: In silico analysis supports that this missense variant has a deleterious effect on protein structure/function; Has not been previously published as pathogenic or benign to our knowledge

Blueprint Genetics
Classification: Uncertain significance. Last evaluated: 2020-01-31. Review status: criteria provided, single submitter. Criteria: ACMG Guidelines, 2015. Collection method: clinical testing. Allele origin: germline.